The following is an entry in ClinVar:

NM_000937.5(POLR2A):c.4606+4A>G

Gene: POLR2A (RNA polymerase II subunit A; plus strand). Cytogenetic location: 17p13.1.
Variant type: single nucleotide variant.
Coding change: c.4606+4A>G on transcript NM_000937.5 (MANE Select); 4 bases into the intron after coding-DNA position 4606, A replaced by G.
Molecular consequence: intron variant.
Genome position (GRCh38, 1-based): chr17:7,512,594, A>G. VCF-style: chr17-7512594-A-G. GRCh37 (hg19) VCF-style: chr17-7415913-A-G.
Identifiers: ClinVar variation 3377880 (VCV003377880.1).

ClinVar aggregate classification (germline): Uncertain significance (1 of 4 stars; one submission).

Submission:

GeneDx
Classification: Uncertain significance. Last evaluated: 2024-05-14. Review status: criteria provided, single submitter. Criteria: GeneDx Variant Classification Process June 2021. Collection method: clinical testing. Allele origin: germline. Affected: yes.
Comment: Not observed at significant frequency in large population cohorts (gnomAD); Has not been previously published as pathogenic or benign to our knowledge; In silico analysis suggests this variant may impact gene splicing. In the absence of RNA/functional studies, the actual effect of this sequence change is unknown.